The following is an entry in ClinVar:

ClinVar aggregate classification (germline): Pathogenic/Likely pathogenic. Review status: criteria provided, multiple submitters, no conflicts (2 of 4 stars). 2 submissions from 2 submitters: Pathogenic (1); Likely pathogenic (1). Last evaluated 2025-03-25.

Conditions:
Joubert syndrome. Also called: JOUBERT-BOLTSHAUSER SYNDROME; Familial aplasia of the vermis. Identifiers: Orphanet 475, MedGen C5979921, MONDO:0018772.
Meckel-Gruber syndrome. Also called: DYSENCEPHALIA SPLANCHNOCYSTICA; GRUBER SYNDROME; Dysencephalia splachnocystica. Identifiers: Orphanet 564, MedGen C0265215, MONDO:0018921.
Meckel syndrome, type 8. Identifiers: Orphanet 564, MedGen C3836857, MONDO:0013482, OMIM 613885.
Joubert syndrome 24 (JBTS24). Identifiers: Orphanet 475, MedGen C4084841, MONDO:0014724, OMIM 616654.

Submissions (2):

First Genomix Gene Laboratory, Genetic Diagnostics Department
Classification: Likely pathogenic for Meckel syndrome, type 8; Joubert syndrome 24. Last evaluated: 2025-03-25. Review status: criteria provided, single submitter. Criteria: ACMG Guidelines, 2015. Collection method: clinical testing. Allele origin: germline. Inheritance: Autosomal recessive inheritance. Affected: no. Observed: 1 variant allele.

Labcorp Genetics (formerly Invitae), Labcorp
Classification: Pathogenic for Joubert syndrome; Meckel-Gruber syndrome. Last evaluated: 2022-09-07. Review status: criteria provided, single submitter. Criteria: Invitae Variant Classification Sherloc (09022015). Collection method: clinical testing. Allele origin: germline.
Comment: This sequence change creates a premature translational stop signal (p.Tyr439*) in the TCTN2 gene. It is expected to result in an absent or disrupted protein product. Loss-of-function variants in TCTN2 are known to be pathogenic (PMID: 21565611). This variant is present in population databases (no rsID available, gnomAD 0.0009%). This variant has not been reported in the literature in individuals affected with TCTN2-related conditions. For these reasons, this variant has been classified as Pathogenic.

Literature cited by the submitters: PubMed 21565611 (cited by Labcorp Genetics (formerly Invitae), Labcorp).

NM_024809.5(TCTN2):c.1317C>G (p.Tyr439Ter)

Gene: TCTN2 (tectonic family member 2; plus strand). Cytogenetic location: 12q24.31.
Variant type: single nucleotide variant.
Coding change: c.1317C>G on transcript NM_024809.5 (MANE Select); coding-DNA position 1317, C replaced by G.
Protein change: p.Tyr439Ter; replaces tyrosine 439 with a stop codon.
Molecular consequence: nonsense.
Genome position (GRCh38, 1-based): chr12:123,696,419, C>G. VCF-style: chr12-123696419-C-G. GRCh37 (hg19) VCF-style: chr12-124180966-C-G.
Other names: c.1314C>G, p.Tyr438Ter (NM_001143850.3); c.1182C>G, p.Tyr394Ter (NM_001410989.1); short protein forms Y438*, Y439*, Y394*.
Identifiers: ClinVar variation 1932648 (VCV001932648.6), dbSNP rs1196281944, ClinGen allele CA387144323.